The following is an entry in ClinVar:

ClinVar aggregate classification (germline): Uncertain significance (1 of 4 stars; one submission).

Conditions:
Primary ciliary dyskinesia. Also called: Ciliary dyskinesia. Identifiers: Orphanet 244, MedGen C0008780, MONDO:0016575, HP:0012265.

Submission:

Labcorp Genetics (formerly Invitae), Labcorp
Classification: Uncertain significance for Primary ciliary dyskinesia. Last evaluated: 2023-04-05. Review status: criteria provided, single submitter. Criteria: Invitae Variant Classification Sherloc (09022015). Collection method: clinical testing. Allele origin: germline.
Comment: This sequence change replaces leucine, which is neutral and non-polar, with valine, which is neutral and non-polar, at codon 1064 of the DNAH8 protein (p.Leu1064Val). This variant is not present in population databases (gnomAD no frequency). This variant has not been reported in the literature in individuals affected with DNAH8-related conditions. Advanced modeling of protein sequence and biophysical properties (such as structural, functional, and spatial information, amino acid conservation, physicochemical variation, residue mobility, and thermodynamic stability) performed at Invitae indicates that this missense variant is not expected to disrupt DNAH8 protein function. Algorithms developed to predict the effect of sequence changes on RNA splicing suggest that this variant may disrupt the consensus splice site. In summary, the available evidence is currently insufficient to determine the role of this variant in disease. Therefore, it has been classified as a Variant of Uncertain Significance.

NM_001206927.2(DNAH8):c.3190C>G (p.Leu1064Val)

Gene: DNAH8 (dynein axonemal heavy chain 8; plus strand). Cytogenetic location: 6p21.2.
Variant type: single nucleotide variant.
Coding change: c.3190C>G on transcript NM_001206927.2 (MANE Select); coding-DNA position 3190, C replaced by G.
Protein change: p.Leu1064Val; replaces leucine 1064 with valine.
Molecular consequence: missense variant.
Genome position (GRCh38, 1-based): chr6:38,807,649, C>G. VCF-style: chr6-38807649-C-G. GRCh37 (hg19) VCF-style: chr6-38775425-C-G.
Other names: c.2539C>G, p.Leu847Val (NM_001371.4); short protein forms L847V, L1064V.
Identifiers: ClinVar variation 2847216 (VCV002847216.3), dbSNP rs2532534669, ClinGen allele CA363996489.